The following is an entry in ClinVar:

NM_022166.4(XYLT1):c.2878T>C (p.Ter960Gln)

Gene: XYLT1 (xylosyltransferase 1; minus strand). Cytogenetic location: 16p12.3.
Variant type: single nucleotide variant.
Coding change: c.2878T>C on transcript NM_022166.4 (MANE Select); coding-DNA position 2878, T replaced by C.
Protein change: p.Ter960Gln.
Molecular consequence: stop lost.
Genome position (GRCh38, 1-based): chr16:17,108,697, A>G on the plus strand (T>C on the coding strand, the complement: XYLT1 is on the minus strand). VCF-style: chr16-17108697-A-G. GRCh37 (hg19) VCF-style: chr16-17202554-A-G.
Identifiers: ClinVar variation 2135168 (VCV002135168.4), dbSNP rs1597124139, ClinGen allele CA395217360.

ClinVar aggregate classification (germline): Uncertain significance (1 of 4 stars; one submission).

Conditions:
Desbuquois dysplasia 1 (DBQD1). Also called: DESBUQUOIS DYSPLASIA 1, KIM VARIANT; MICROMELIC DWARFISM WITH VERTEBRAL AND METAPHYSEAL ABNORMALITIES AND ADVANCED CARPOTARSAL OSSIFICATION. Identifiers: Orphanet 1425, MedGen C4012146, MONDO:0009629, OMIM 251450.

Submission:

Labcorp Genetics (formerly Invitae), Labcorp
Classification: Uncertain significance for Desbuquois dysplasia 1. Last evaluated: 2022-05-07. Review status: criteria provided, single submitter. Criteria: Invitae Variant Classification Sherloc (09022015). Collection method: clinical testing. Allele origin: germline.
Comment: In summary, the available evidence is currently insufficient to determine the role of this variant in disease. Therefore, it has been classified as a Variant of Uncertain Significance. Algorithms developed to predict the effect of sequence changes on RNA splicing suggest that this variant may disrupt the consensus splice site. This variant has not been reported in the literature in individuals affected with XYLT1-related conditions. This variant is not present in population databases (gnomAD no frequency). This sequence change disrupts the translational stop signal of the XYLT1 mRNA. It is expected to extend the length of the XYLT1 protein by 44 additional amino acid residues.